The following is an entry in ClinVar:

NM_001378414.1(HDAC4):c.1095+10C>G

Gene: HDAC4 (histone deacetylase 4; minus strand). Cytogenetic location: 2q37.3.
Variant type: single nucleotide variant.
Coding change: c.1095+10C>G on transcript NM_001378414.1 (MANE Select); 10 bases into the intron after coding-DNA position 1095, C replaced by G.
Molecular consequence: intron variant.
Genome position (GRCh38, 1-based): chr2:239,134,517, G>C on the plus strand (C>G on the coding strand, the complement: HDAC4 is on the minus strand). VCF-style: chr2-239134517-G-C. GRCh37 (hg19) VCF-style: chr2-240056213-G-C.
Other names: c.1095+10C>G (NM_001378417.1, NM_001378415.1, NM_001378416.1 and 1 more transcripts).
Identifiers: ClinVar variation 284951 (VCV000284951.15), dbSNP rs11896634, ClinGen allele CA2199927.

ClinVar aggregate classification (germline): Benign/Likely benign. Review status: criteria provided, multiple submitters, no conflicts (2 of 4 stars). 4 submissions from 4 submitters: Benign (2); Likely benign (1). 1 of the submissions does not count toward it. Last evaluated 2025-08-08.

Conditions:
HDAC4-related disorder. Also called: HDAC4-related condition.

Allele frequency attached by ClinVar (database versions not stated): gnomAD exomes 0.00065; ExAC 0.00072; 1000 Genomes Project 0.00260; gnomAD 0.00263 and 0.00291; 1000 Genomes Project 30x 0.00265; TOPMed 0.00286; ESP Exome Variant Server 0.00315.
gnomAD v4.1: 755 of 1,613,512 alleles (0.047%); highest among the groups gnomAD compares: African/African-American, 0.91%; 2 homozygotes.

Submissions (4):

Labcorp Genetics (formerly Invitae), Labcorp
Classification: Benign. Last evaluated: 2025-08-08. Review status: criteria provided, single submitter. Criteria: Invitae Variant Classification Sherloc (09022015). Collection method: clinical testing. Allele origin: germline.

Blueprint Genetics
Classification: Likely benign. Last evaluated: 2024-03-19. Review status: criteria provided, single submitter. Criteria: ACMG Guidelines, 2015. Collection method: clinical testing. Allele origin: germline.

Eurofins Ntd Llc (ga)
Classification: Benign. Last evaluated: 2015-11-25. Review status: criteria provided, single submitter. Criteria: EGL Classification Definitions 2015. Collection method: clinical testing. Allele origin: germline. Observed: 1 variant allele, 1 homozygote.

PreventionGenetics, part of Exact Sciences
Classification: Likely benign for HDAC4-related condition. Last evaluated: 2019-03-20. Review status: no assertion criteria provided. Collection method: clinical testing. Allele origin: germline. Not counted in ClinVar's aggregate classification.
Comment: This variant is classified as likely benign based on ACMG/AMP sequence variant interpretation guidelines (Richards et al. 2015 PMID: 25741868, with internal and published modifications).